The following is an entry in ClinVar:

ClinVar aggregate classification (germline): Uncertain significance (1 of 4 stars; one submission).

Allele frequency attached by ClinVar (database versions not stated): TOPMed below 0.00001; gnomAD exomes 0.00001 and 0.00002; ExAC 0.00003.
gnomAD v4.1: 8 of 1,614,186 alleles (0.0005%); highest among the groups gnomAD compares: Non-Finnish European, 0.00068%; no homozygotes.

Submission:

Labcorp Genetics (formerly Invitae), Labcorp
Classification: Uncertain significance. Last evaluated: 2021-06-17. Review status: criteria provided, single submitter. Criteria: Invitae Variant Classification Sherloc (09022015). Collection method: clinical testing. Allele origin: germline.
Comment: In summary, the available evidence is currently insufficient to determine the role of this variant in disease. Therefore, it has been classified as a Variant of Uncertain Significance. Algorithms developed to predict the effect of missense changes on protein structure and function are either unavailable or do not agree on the potential impact of this missense change (SIFT: "Not Available"; PolyPhen-2: "Probably Damaging"; Align-GVGD: "Not Available"). This variant has not been reported in the literature in individuals with TULP1-related conditions. This variant is present in population databases (rs760326438, ExAC 0.006%). This sequence change replaces histidine with tyrosine at codon 462 of the TULP1 protein (p.His462Tyr). The histidine residue is highly conserved and there is a moderate physicochemical difference between histidine and tyrosine.

NM_003322.6(TULP1):c.1384C>T (p.His462Tyr)

Gene: TULP1 (TUB like protein 1; minus strand). Cytogenetic location: 6p21.31.
Variant type: single nucleotide variant.
Coding change: c.1384C>T on transcript NM_003322.6 (MANE Select); coding-DNA position 1384, C replaced by T.
Protein change: p.His462Tyr; replaces histidine 462 with tyrosine.
Molecular consequence: missense variant.
Genome position (GRCh38, 1-based): chr6:35,500,092, G>A on the plus strand (C>T on the coding strand, the complement: TULP1 is on the minus strand). VCF-style: chr6-35500092-G-A. GRCh37 (hg19) VCF-style: chr6-35467869-G-A.
Other names: c.1225C>T, p.His409Tyr (NM_001289395.2); short protein forms H409Y, H462Y.
Identifiers: ClinVar variation 1369641 (VCV001369641.8), dbSNP rs760326438, ClinGen allele CA3772560.
Genomic context (GRCh38, chr6:35,500,092, plus strand): 5'-GGCCTTGGAAGTTGAGGGTGTAGGAGCCACTGTCATCGTTCCAGACAGGTGGCTTGTTGT[G>A]CAGTTCTATGAGGCTCTCCAGCGTCTTGTTCTGCCAGCGCACCAGCAGGCCGTCACTAGC-3'
Protein context (NP_003313.3, residues 452-472): NKTLESLIEL[His462Tyr]NKPPVWNDDS